The following is an entry in ClinVar:

ClinVar aggregate classification (germline): Uncertain significance (1 of 4 stars; one submission).

Submission:

CeGaT Center for Human Genetics Tuebingen
Classification: Uncertain significance. Last evaluated: 2026-02-01. Review status: criteria provided, single submitter. Criteria: CeGaT Center For Human Genetics Tuebingen Variant Classification Criteria Version 2. Collection method: clinical testing. Allele origin: germline. Affected: yes. Observed: 1 variant allele.
Comment: DHX9: PM2, PP2

NM_001357.5(DHX9):c.675G>T (p.Arg225Ser)

Gene: DHX9 (DExH-box helicase 9; plus strand). Cytogenetic location: 1q25.3.
Variant type: single nucleotide variant.
Coding change: c.675G>T on transcript NM_001357.5 (MANE Select); coding-DNA position 675, G replaced by T.
Protein change: p.Arg225Ser; replaces arginine 225 with serine.
Molecular consequence: missense variant. On other transcripts: non-coding transcript variant (1).
Genome position (GRCh38, 1-based): chr1:182,858,105, G>T. VCF-style: chr1-182858105-G-T. GRCh37 (hg19) VCF-style: chr1-182827240-G-T.
Other names: short protein forms R225S.
Identifiers: ClinVar variation 4823166 (VCV004823166.4).